The following is an entry in ClinVar:

ClinVar aggregate classification (germline): Pathogenic (1 of 4 stars; one submission).

Conditions:
Menkes kinky-hair syndrome (MNK). Also called: Menkes Disease; Copper transport disease; Classic Menkes Disease. Identifiers: Orphanet 565, MedGen C0022716, MONDO:0010651, OMIM 309400.
Cutis laxa, X-linked (OHS). Also called: EDS IX; Occipital horn syndrome. Identifiers: Orphanet 198, MedGen C0268353, MONDO:0010572, OMIM 304150.
X-linked distal spinal muscular atrophy type 3. Also called: ATP7A-Related Distal Motor Neuropathy; NEURONOPATHY, DISTAL HEREDITARY MOTOR, X-LINKED; NEUROPATHY, DISTAL HEREDITARY MOTOR, X-LINKED; SPINAL MUSCULAR ATROPHY, DISTAL, X-LINKED RECESSIVE. Identifiers: Orphanet 139557, MedGen C1845359, MONDO:0010338, OMIM 300489.

Submission:

Labcorp Genetics (formerly Invitae), Labcorp
Classification: Pathogenic for X-linked distal spinal muscular atrophy type 3; Cutis laxa, X-linked; Menkes kinky-hair syndrome. Last evaluated: 2020-03-11. Review status: criteria provided, single submitter. Criteria: Invitae Variant Classification Sherloc (09022015). Collection method: clinical testing. Allele origin: germline.
Comment: For these reasons, this variant has been classified as Pathogenic. Loss-of-function variants in ATP7A are known to be pathogenic (PMID: 11241493, 20652413). This variant has not been reported in the literature in individuals with ATP7A-related conditions. This variant is not present in population databases (ExAC no frequency). This sequence change creates a premature translational stop signal (p.Lys155Glufs*7) in the ATP7A gene. It is expected to result in an absent or disrupted protein product.

Literature cited by the submitters: PubMed 11241493; PubMed 20652413.

NM_000052.7(ATP7A):c.462dup (p.Lys155fs)

Gene: ATP7A (ATPase copper transporting alpha; plus strand). Cytogenetic location: Xq21.1.
Variant type: Duplication.
Coding change: c.462dup on transcript NM_000052.7 (MANE Select); coding-DNA position 462, one base duplicated (G; older notation c.462dupG).
Protein change: p.Lys155fs; shifts the reading frame from lysine 155.
Molecular consequence: frameshift variant.
Genome position (GRCh38, 1-based): chrX:77,988,583, G duplicated. VCF-style (leftmost placement, unchanged base first): chrX-77988582-A-AG. GRCh37 (hg19) VCF-style: chrX-77244078-A-AG.
Other names: c.462dup, p.Lys155fs (NM_001282224.2); short protein forms K155fs.
Identifiers: ClinVar variation 964347 (VCV000964347.8), dbSNP rs2077652014, ClinGen allele CA1139667675.